The following is an entry in ClinVar:

NM_000455.5(STK11):c.1079T>C (p.Ile360Thr)

Genes: STK11 (serine/threonine kinase 11; plus strand), LOC130062899 (ATAC-STARR-seq lymphoblastoid active region 13597; plus strand). Cytogenetic location: 19p13.3.
Variant type: single nucleotide variant.
Coding change: c.1079T>C on transcript NM_000455.5 (MANE Select); coding-DNA position 1079, T replaced by C.
Protein change: p.Ile360Thr; replaces isoleucine 360 with threonine.
Molecular consequence: missense variant.
Genome position (GRCh38, 1-based): chr19:1,223,143, T>C. VCF-style: chr19-1223143-T-C. GRCh37 (hg19) VCF-style: chr19-1223142-T-C.
Other names: short protein forms I360T.
Identifiers: ClinVar variation 576503 (VCV000576503.10), dbSNP rs1568712477, ClinGen allele CA402951903.

ClinVar aggregate classification (germline): Uncertain significance. Review status: criteria provided, multiple submitters, no conflicts (2 of 4 stars). 2 submissions from 2 submitters: Uncertain significance (2). Last evaluated 2023-11-20.

Conditions:
Peutz-Jeghers syndrome (PJS). Also called: POLYPOSIS, HAMARTOMATOUS INTESTINAL; POLYPS-AND-SPOTS SYNDROME; Peutz-Jeghers polyposis; Periorificial lentiginosis syndrome. Identifiers: Orphanet 2869, MedGen C0031269, MeSH D010580, MONDO:0008280, OMIM 175200.

Allele frequency attached by ClinVar (database versions not stated): gnomAD exomes below 0.00001.
gnomAD v4.1: 1 of 1,611,458 alleles (0.000062%); highest among the groups gnomAD compares: Non-Finnish European, 0.000085%; no homozygotes.

Submissions (2):

Labcorp Genetics (formerly Invitae), Labcorp
Classification: Uncertain significance for Peutz-Jeghers syndrome. Last evaluated: 2023-11-20. Review status: criteria provided, single submitter. Criteria: Invitae Variant Classification Sherloc (09022015). Collection method: clinical testing. Allele origin: germline.
Comment: This sequence change replaces isoleucine, which is neutral and non-polar, with threonine, which is neutral and polar, at codon 360 of the STK11 protein (p.Ile360Thr). This variant is not present in population databases (gnomAD no frequency). This variant has not been reported in the literature in individuals affected with STK11-related conditions. ClinVar contains an entry for this variant (Variation ID: 576503). Advanced modeling of protein sequence and biophysical properties (such as structural, functional, and spatial information, amino acid conservation, physicochemical variation, residue mobility, and thermodynamic stability) performed at Invitae indicates that this missense variant is not expected to disrupt STK11 protein function with a negative predictive value of 95%. In summary, the available evidence is currently insufficient to determine the role of this variant in disease. Therefore, it has been classified as a Variant of Uncertain Significance.

All of Us Research Program, National Institutes of Health
Classification: Uncertain significance for Peutz-Jeghers syndrome. Last evaluated: 2023-05-04. Review status: criteria provided, single submitter. Criteria: ACMG Guidelines, 2015. Collection method: clinical testing. Allele origin: germline. Inheritance: Autosomal dominant inheritance. Observed: 1 variant allele, 1 heterozygote.
Comment: This missense variant replaces isoleucine with threonine at codon 360 of the STK11 protein. Computational prediction suggests that this variant may not impact protein structure and function (internally defined REVEL score threshold <= 0.5, PMID: 27666373). To our knowledge, functional studies have not been reported for this variant. This variant has not been reported in individuals affected with STK11-related disorders in the literature. This variant has not been identified in the general population by the Genome Aggregation Database (gnomAD). The available evidence is insufficient to determine the role of this variant in disease conclusively. Therefore, this variant is classified as a Variant of Uncertain Significance.

This study involves interpretation of variants in research participants for the purpose of population health screening. Participant phenotype was not available at the time of variant classification. Additional details can be found in publication PMID: 35346344, PMCID: PMC8962531